The following is an entry in ClinVar:

NM_001267550.2(TTN):c.105821C>G (p.Thr35274Arg)

Genes: TTN-AS1 (TTN antisense RNA 1; plus strand), TTN (titin; minus strand), LOC129935183 (ATAC-STARR-seq lymphoblastoid active region 16808; plus strand). Cytogenetic location: 2q31.2.
Variant type: single nucleotide variant.
Coding change: c.105821C>G on transcript NM_001267550.2 (MANE Select); coding-DNA position 105821, C replaced by G.
Protein change: p.Thr35274Arg; replaces threonine 35274 with arginine.
Molecular consequence: missense variant.
Genome position (GRCh38, 1-based): chr2:178,530,794, G>C on the plus strand (C>G on the coding strand, the complement: TTN is on the minus strand). VCF-style: chr2-178530794-G-C. GRCh37 (hg19) VCF-style: chr2-179395521-G-C.
Other names: c.100898C>G, p.Thr33633Arg (NM_001256850.1); c.78626C>G, p.Thr26209Arg (NM_003319.4); c.98117C>G, p.Thr32706Arg (NM_133378.4); c.79001C>G, p.Thr26334Arg (NM_133432.3); c.79202C>G, p.Thr26401Arg (NM_133437.4); short protein forms T26209R, T26334R, T26401R, T32706R, T33633R, T35274R.
Identifiers: ClinVar variation 3755063 (VCV003755063.2).
Genomic context (GRCh38, chr2:178,530,794, plus strand): 5'-GCTTTCAGGAACTGAGTAATCTTTGGTGGGGCAGAGACTGGGAGGTGCTGAACTTTCTCT[G>C]TTGGTGTTGGTTTTGTCTCTGTGGGTGATACGGCTTTCGGGTGAGAAGGTTCTGGAGATT-3'
Protein context (NP_001254479.2, residues 35264-35284): VSPTETKPTP[Thr35274Arg]EKVQHLPVSA

ClinVar aggregate classification (germline): Uncertain significance (1 of 4 stars; one submission).

Conditions:
Dilated cardiomyopathy 1G (CMD1G). Identifiers: Orphanet 154, MedGen C1858763, MONDO:0011400, OMIM 604145.
Autosomal recessive limb-girdle muscular dystrophy type 2J (LGMDR10). Also called: Limb-girdle muscular dystrophy, type 2J; MUSCULAR DYSTROPHY, LIMB-GIRDLE, AUTOSOMAL RECESSIVE 10. Identifiers: Orphanet 140922, MedGen C1837342, MONDO:0012127, OMIM 608807.

Submission:

Labcorp Genetics (formerly Invitae), Labcorp
Classification: Uncertain significance for Dilated cardiomyopathy 1G; Autosomal recessive limb-girdle muscular dystrophy type 2J. Last evaluated: 2024-03-02. Review status: criteria provided, single submitter. Criteria: Invitae Variant Classification Sherloc (09022015). Collection method: clinical testing. Allele origin: germline.
Comment: This sequence change replaces threonine, which is neutral and polar, with arginine, which is basic and polar, at codon 35274 of the TTN protein (p.Thr35274Arg). This variant is not present in population databases (gnomAD no frequency). This variant has not been reported in the literature in individuals affected with TTN-related conditions. Experimental studies and prediction algorithms are not available or were not evaluated, and the functional significance of this variant is currently unknown. This variant is located in the M band of TTN (PMID: 25589632). Non-truncating variants in this region may be relevant for neuromuscular disorders, but have not been definitively shown to cause cardiomyopathy (PMID: 23975875). In summary, the available evidence is currently insufficient to determine the role of this variant in disease. Therefore, it has been classified as a Variant of Uncertain Significance.

Literature cited by the submitters: PubMed 25589632; PubMed 23975875.